The following is an entry in ClinVar:

ClinVar aggregate classification (germline): Benign/Likely benign. Review status: criteria provided, multiple submitters, no conflicts (2 of 4 stars). 7 submissions from 7 submitters: Benign (2); Likely benign (5). Last evaluated 2026-01-31.

Conditions:
Birt-Hogg-Dube syndrome 1 (BHD1). Also called: FIBROFOLLICULOMAS WITH TRICHODISCOMAS AND ACROCHORDONS. Identifiers: Orphanet 122, MedGen CN375946, MONDO:0800445, OMIM 135150.
Hereditary cancer-predisposing syndrome. Also called: Tumor predisposition; Neoplastic Syndromes, Hereditary; Hereditary neoplastic syndrome; Hereditary Cancer Syndrome. Identifiers: Orphanet 140162, MedGen C0027672, MeSH D009386, MONDO:0015356.
Birt-Hogg-Dube syndrome. Also called: Birt Hogg Dubé syndrome. Identifiers: Orphanet 122, MedGen C0346010, MONDO:0800444.

Allele frequency attached by ClinVar (database versions not stated): ExAC 0.00003; gnomAD exomes 0.00003; gnomAD 0.00004 and 0.00007; TOPMed 0.00009; ESP Exome Variant Server 0.00023.
gnomAD v4.1: 42 of 1,614,244 alleles (0.0026%); highest among the groups gnomAD compares: African/African-American, 0.021%; no homozygotes.

Submissions (7):

Labcorp Genetics (formerly Invitae), Labcorp
Classification: Likely benign for Birt-Hogg-Dube syndrome. Last evaluated: 2026-01-31. Review status: criteria provided, single submitter. Criteria: Invitae Variant Classification Sherloc (09022015). Collection method: clinical testing. Allele origin: germline.

Center for Genomic Medicine, Rigshospitalet, Copenhagen University Hospital
Classification: Likely benign. Last evaluated: 2025-12-29. Review status: criteria provided, single submitter. Criteria: ACMG Guidelines, 2015. Collection method: clinical testing. Allele origin: germline.

Blueprint Genetics
Classification: Likely benign. Last evaluated: 2024-11-25. Review status: criteria provided, single submitter. Criteria: ACMG Guidelines, 2015. Collection method: clinical testing. Allele origin: germline.

Myriad Genetics, Inc.
Classification: Benign for Birt-Hogg-Dube syndrome 1. Last evaluated: 2024-10-23. Review status: criteria provided, single submitter. Criteria: Myriad Autosomal Dominant, Autosomal Recessive and X-Linked Classification Criteria (2023). Collection method: clinical testing. Allele origin: unknown.
Comment: This variant is considered benign. This variant is a silent/synonymous amino acid change and it is not expected to impact splicing.

Quest Diagnostics Nichols Institute San Juan Capistrano
Classification: Benign. Last evaluated: 2023-05-07. Review status: criteria provided, single submitter. Criteria: Quest Diagnostics criteria. Collection method: clinical testing. Allele origin: unknown.

Sema4
Classification: Likely benign for Hereditary cancer-predisposing syndrome. Last evaluated: 2021-12-20. Review status: criteria provided, single submitter. Criteria: Sema4 Curation Guidelines. Collection method: curation. Allele origin: germline.

Ambry Genetics
Classification: Likely benign for Hereditary cancer-predisposing syndrome. Last evaluated: 2015-01-01. Review status: criteria provided, single submitter. Criteria: Ambry Variant Classification Scheme 2023. Collection method: clinical testing. Allele origin: germline.

NM_144997.7(FLCN):c.711C>T (p.Ala237=)

Gene: FLCN (folliculin; minus strand). Cytogenetic location: 17p11.2.
Variant type: single nucleotide variant.
Coding change: c.711C>T on transcript NM_144997.7 (MANE Select); coding-DNA position 711, C replaced by T.
Protein change: p.Ala237=; no amino-acid change (alanine 237 retained).
Molecular consequence: synonymous variant.
Genome position (GRCh38, 1-based): chr17:17,222,569, G>A on the plus strand (C>T on the coding strand, the complement: FLCN is on the minus strand). VCF-style: chr17-17222569-G-A. GRCh37 (hg19) VCF-style: chr17-17125883-G-A.
Other names: c.711C>T (LRG_325t1, NM_144997.6); c.765C>T, p.Ala255= (NM_001353229.2); c.711C>T, p.Ala237= (NM_001353230.2, NM_001353231.2, NM_144606.7).
Identifiers: ClinVar variation 187695 (VCV000187695.20), dbSNP rs111258744, ClinGen allele CA198322.